The following is an entry in ClinVar:

ClinVar aggregate classification (germline): Likely benign (1 of 4 stars; one submission).

Submission:

CeGaT Center for Human Genetics Tuebingen
Classification: Likely benign. Last evaluated: 2026-01-01. Review status: criteria provided, single submitter. Criteria: CeGaT Center For Human Genetics Tuebingen Variant Classification Criteria Version 2. Collection method: clinical testing. Allele origin: germline. Affected: yes. Observed: 1 variant allele.
Comment: CHD1: BP4, BP7

NM_001270.4(CHD1):c.2913T>C (p.Phe971=)

Gene: CHD1 (chromodomain helicase DNA binding protein 1; minus strand). Cytogenetic location: 5q15.
Variant type: single nucleotide variant.
Coding change: c.2913T>C on transcript NM_001270.4 (MANE Select); coding-DNA position 2913, T replaced by C.
Protein change: p.Phe971=; no amino-acid change (phenylalanine 971 retained).
Molecular consequence: synonymous variant. On other transcripts: non-coding transcript variant (2).
Genome position (GRCh38, 1-based): chr5:98,881,330, A>G on the plus strand (T>C on the coding strand, the complement: CHD1 is on the minus strand). VCF-style: chr5-98881330-A-G. GRCh37 (hg19) VCF-style: chr5-98217034-A-G.
Other names: c.2913T>C, p.Phe971= (NM_001364113.3, NM_001376194.2).
Identifiers: ClinVar variation 4822531 (VCV004822531.4).